The following is an entry in ClinVar:

ClinVar aggregate classification (germline): Uncertain significance (1 of 4 stars; one submission).

Conditions:
Inborn genetic diseases. Identifiers: MedGen C0950123, MeSH D030342.

Submission:

Ambry Genetics
Classification: Uncertain significance for Inborn genetic diseases. Last evaluated: 2025-04-07. Review status: criteria provided, single submitter. Criteria: Ambry Variant Classification Scheme 2023. Collection method: clinical testing. Allele origin: germline.
Comment: The p.M122I variant (also known as c.366G>A), located in coding exon 1 of the SAMD9 gene, results from a G to A substitution at nucleotide position 366. The methionine at codon 122 is replaced by isoleucine, an amino acid with highly similar properties. This amino acid position is conserved. In addition, this alteration is predicted to be tolerated by in silico analysis. Based on the available evidence, the clinical significance of this variant remains unclear.

NM_017654.4(SAMD9):c.366G>A (p.Met122Ile)

Gene: SAMD9 (sterile alpha motif domain containing 9; minus strand). Cytogenetic location: 7q21.2.
Variant type: single nucleotide variant.
Coding change: c.366G>A on transcript NM_017654.4 (MANE Select); coding-DNA position 366, G replaced by A.
Protein change: p.Met122Ile; replaces methionine 122 with isoleucine.
Molecular consequence: missense variant.
Genome position (GRCh38, 1-based): chr7:93,105,732, C>T on the plus strand (G>A on the coding strand, the complement: SAMD9 is on the minus strand). VCF-style: chr7-93105732-C-T. GRCh37 (hg19) VCF-style: chr7-92735045-C-T.
Other names: c.366G>A, p.Met122Ile (NM_001193307.2); short protein forms M122I.
Identifiers: ClinVar variation 3949527 (VCV003949527.1).